The following is an entry in ClinVar:

NM_002900.3(RBP3):c.421C>T (p.Gln141Ter)

Gene: RBP3 (retinol binding protein 3; plus strand). Cytogenetic location: 10q11.22.
Variant type: single nucleotide variant.
Coding change: c.421C>T on transcript NM_002900.3 (MANE Select); coding-DNA position 421, C replaced by T.
Protein change: p.Gln141Ter; replaces glutamine 141 with a stop codon.
Molecular consequence: nonsense.
Genome position (GRCh38, 1-based): chr10:47,348,905, C>T. VCF-style: chr10-47348905-C-T. GRCh37 (hg19) VCF-style: chr10-48390457-G-A.
Other names: short protein forms Q141*.
Identifiers: ClinVar variation 1915170 (VCV001915170.7), dbSNP rs2549027726, ClinGen allele CA376665029.
Genomic context (GRCh38, chr10:47,348,905, plus strand): 5'-CTCCGCCATGAGGTTCTGGAGGGTAATGTGGGCTACCTGCGGGTGGACAGCGTCCCGGGC[C>T]AGGAGGTGCTGAGCATGATGGGGGAGTTCCTGGTGGCCCACGTGTGGGGGAATCTCATGG-3'

ClinVar aggregate classification (germline): Pathogenic/Likely pathogenic. Review status: criteria provided, multiple submitters, no conflicts (2 of 4 stars). 3 submissions from 3 submitters: Pathogenic (1); Likely pathogenic (1). 1 of the submissions does not count toward it. Last evaluated 2024-03-25.

Conditions:
RBP3-related disorder. Also called: RBP3-related condition.
Retinal dystrophy. Also called: Inherited retinal dystrophy. Identifiers: Orphanet 71862, MedGen C0854723, MeSH D058499, MONDO:0019118, HP:0000556.

Allele frequency attached by ClinVar (database versions not stated): gnomAD exomes below 0.00001.

Submissions (3):

Blueprint Genetics
Classification: Likely pathogenic for RBP3-related disorders. Last evaluated: 2024-03-25. Review status: criteria provided, single submitter. Criteria: ACMG Guidelines, 2015. Collection method: clinical testing. Allele origin: germline. Affected: yes. Observed: 2 variant alleles.

Labcorp Genetics (formerly Invitae), Labcorp
Classification: Pathogenic. Last evaluated: 2022-06-28. Review status: criteria provided, single submitter. Criteria: Invitae Variant Classification Sherloc (09022015). Collection method: clinical testing. Allele origin: germline.
Comment: For these reasons, this variant has been classified as Pathogenic. This variant has not been reported in the literature in individuals affected with RBP3-related conditions. This variant is not present in population databases (gnomAD no frequency). This sequence change creates a premature translational stop signal (p.Gln141*) in the RBP3 gene. It is expected to result in an absent or disrupted protein product. Loss-of-function variants in RBP3 are known to be pathogenic (PMID: 9614228, 23105016, 25766589).

Institute of Human Genetics, Univ. Regensburg, Univ. Regensburg
Classification: Pathogenic for Retinal dystrophy. Last evaluated: 2022-01-01. Review status: no assertion criteria provided. Criteria: ACMG Guidelines, 2015. Collection method: clinical testing. Allele origin: germline. Affected: yes. Not counted in ClinVar's aggregate classification.

Literature cited by the submitters: PubMed 9614228 (cited by Labcorp Genetics (formerly Invitae), Labcorp); PubMed 23105016 (cited by Labcorp Genetics (formerly Invitae), Labcorp); PubMed 25766589 (cited by Labcorp Genetics (formerly Invitae), Labcorp).